The following is an entry in ClinVar:

NM_000804.4(FOLR3):c.418G>A (p.Glu140Lys)

Gene: FOLR3 (folate receptor gamma; plus strand). Cytogenetic location: 11q13.4.
Variant type: single nucleotide variant.
Coding change: c.418G>A on transcript NM_000804.4 (MANE Select); coding-DNA position 418, G replaced by A.
Protein change: p.Glu140Lys; replaces glutamic acid 140 with lysine.
Molecular consequence: missense variant. On other transcripts: non-coding transcript variant (1).
Genome position (GRCh38, 1-based): chr11:72,139,407, G>A. VCF-style: chr11-72139407-G-A. GRCh37 (hg19) VCF-style: chr11-71850451-G-A.
Other names: c.145G>A, p.Glu49Lys (NM_001318045.2); c.544G>A, p.Glu182Lys (NM_001412270.1); short protein forms E140K, E182K, E49K.
Identifiers: ClinVar variation 3053064 (VCV003053064.1), dbSNP rs1422084123, ClinGen allele CA381741743.

ClinVar aggregate classification (germline): Benign (1 of 4 stars; one submission).

Conditions:
FOLR3-related disorder. Also called: FOLR3-related condition.

Allele frequency attached by ClinVar (database versions not stated): TOPMed below 0.00001.

Submission:

PreventionGenetics, part of Exact Sciences
Classification: Benign for FOLR3-related condition. Last evaluated: 2019-08-13. Review status: criteria provided, single submitter. Criteria: ACMG Guidelines, 2015. Collection method: clinical testing. Allele origin: germline.
Comment: This variant is classified as benign based on ACMG/AMP sequence variant interpretation guidelines (Richards et al. 2015 PMID: 25741868, with internal and published modifications).